The following is an entry in ClinVar:

NM_138694.4(PKHD1):c.5390C>A (p.Ala1797Asp)

Gene: PKHD1 (PKHD1 ciliary IPT domain containing fibrocystin/polyductin; minus strand). Cytogenetic location: 6p12.2.
Variant type: single nucleotide variant.
Coding change: c.5390C>A on transcript NM_138694.4 (MANE Select); coding-DNA position 5390, C replaced by A.
Protein change: p.Ala1797Asp; replaces alanine 1797 with aspartic acid.
Molecular consequence: missense variant.
Genome position (GRCh38, 1-based): chr6:52,017,620, G>T on the plus strand (C>A on the coding strand, the complement: PKHD1 is on the minus strand). VCF-style: chr6-52017620-G-T. GRCh37 (hg19) VCF-style: chr6-51882418-G-T.
Other names: c.5390C>A, p.Ala1797Asp (NM_170724.3); short protein forms A1797D.
Identifiers: ClinVar variation 3706331 (VCV003706331.1).

ClinVar aggregate classification (germline): Uncertain significance (1 of 4 stars; one submission).

Conditions:
Autosomal recessive polycystic kidney disease (ARPKD). Also called: AR polycystic kidney disease. Identifiers: Orphanet 731, Orphanet 8378, MedGen C0085548, MeSH D017044, MONDO:0009889.

gnomAD v4.1: 13 of 1,612,946 alleles (0.00081%); highest among the groups gnomAD compares: Non-Finnish European, 0.0011%; no homozygotes.

Submission:

Labcorp Genetics (formerly Invitae), Labcorp
Classification: Uncertain significance for Autosomal recessive polycystic kidney disease. Last evaluated: 2024-09-03. Review status: criteria provided, single submitter. Criteria: Invitae Variant Classification Sherloc (09022015). Collection method: clinical testing. Allele origin: germline.
Comment: This sequence change replaces alanine, which is neutral and non-polar, with aspartic acid, which is acidic and polar, at codon 1797 of the PKHD1 protein (p.Ala1797Asp). This variant is present in population databases (rs746260771, gnomAD 0.0009%). This variant has not been reported in the literature in individuals affected with PKHD1-related conditions. Invitae Evidence Modeling of protein sequence and biophysical properties (such as structural, functional, and spatial information, amino acid conservation, physicochemical variation, residue mobility, and thermodynamic stability) indicates that this missense variant is expected to disrupt PKHD1 protein function with a positive predictive value of 95%. In summary, the available evidence is currently insufficient to determine the role of this variant in disease. Therefore, it has been classified as a Variant of Uncertain Significance.